The following is an entry in ClinVar:

ClinVar aggregate classification (germline): Uncertain significance (1 of 4 stars; one submission).

Submission:

Labcorp Genetics (formerly Invitae), Labcorp
Classification: Uncertain significance. Last evaluated: 2022-05-05. Review status: criteria provided, single submitter. Criteria: Invitae Variant Classification Sherloc (09022015). Collection method: clinical testing. Allele origin: germline.
Comment: This sequence change replaces serine, which is neutral and polar, with glycine, which is neutral and non-polar, at codon 1258 of the KMT2A protein (p.Ser1258Gly). This variant is not present in population databases (gnomAD no frequency). In summary, the available evidence is currently insufficient to determine the role of this variant in disease. Therefore, it has been classified as a Variant of Uncertain Significance. Advanced modeling of protein sequence and biophysical properties (such as structural, functional, and spatial information, amino acid conservation, physicochemical variation, residue mobility, and thermodynamic stability) performed at Invitae indicates that this missense variant is not expected to disrupt KMT2A protein function. This variant has not been reported in the literature in individuals affected with KMT2A-related conditions.

NM_001197104.2(KMT2A):c.3772A>G (p.Ser1258Gly)

Gene: KMT2A (lysine methyltransferase 2A; plus strand). Cytogenetic location: 11q23.3.
Variant type: single nucleotide variant.
Coding change: c.3772A>G on transcript NM_001197104.2 (MANE Select); coding-DNA position 3772, A replaced by G.
Protein change: p.Ser1258Gly; replaces serine 1258 with glycine.
Molecular consequence: missense variant.
Genome position (GRCh38, 1-based): chr11:118,481,852, A>G. VCF-style: chr11-118481852-A-G. GRCh37 (hg19) VCF-style: chr11-118352567-A-G.
Other names: c.3871A>G, p.Ser1291Gly (NM_001412597.1); c.3772A>G, p.Ser1258Gly (NM_005933.4); short protein forms S1291G, S1258G.
Identifiers: ClinVar variation 2134217 (VCV002134217.4), dbSNP rs2496863045, ClinGen allele CA382827818.